The following continues an entry in ClinVar:

NM_000059.4(BRCA2):c.3075_3076delinsTT (p.Lys1025_Lys1026delinsAsnTer)

Gene: BRCA2. ClinVar aggregate classification (germline): Pathogenic. Pathogenic (1).

Submissions 11 to 15 of 15:

Baylor Genetics
Classification: Pathogenic for Familial cancer of breast. Last evaluated: 2021-10-31. Review status: criteria provided, single submitter. Criteria: ACMG Guidelines, 2015. Collection method: clinical testing. Allele origin: unknown. Not counted in ClinVar's aggregate classification.

Women's Health and Genetics/Laboratory Corporation of America, LabCorp
Classification: Pathogenic for Hereditary breast and ovarian cancer syndrome. Last evaluated: 2020-09-23. Review status: criteria provided, single submitter. Criteria: LabCorp Variant Classification Summary - May 2015. Collection method: clinical testing. Allele origin: germline. Not counted in ClinVar's aggregate classification.
Comment: Variant summary: BRCA2 c.3075_3076delinsTT (p.Lys1025AsnfsX2, also called as: p.Lys1025_Lys1026delinsAsn*) results in a premature termination codon, predicted to cause a truncation of the encoded protein or absence of the protein due to nonsense mediated decay, which are commonly known mechanisms for disease. Truncations downstream of this position have been classified as pathogenic by our laboratory. The variant was absent in 250114 control chromosomes (gnomAD). The variant c.3075_3076delinsTT (also published as a complex allele: c.3075G>T;3076A>T (p.Lys1025Asn;p.Lys1026X)) has been reported in the literature in several individuals of central European ancestry with a personal and/or family history of breast or ovarian cancer (e.g. Pohlreich_2005, Wong-Brown_2015, Rebbeck_2018, Machackova_2019, Nguyen-Dumont_2020). These data indicate that the variant is likely to be associated with the disease. To our knowledge, no experimental evidence demonstrating an impact on protein function has been reported. Eight other submitters, including an expert panel (ENIGMA), have provided clinical-significance assessments for this variant in ClinVar after 2014, and all of them classified the variant as pathogenic. Based on the evidence outlined above, the variant was classified as pathogenic.

Consortium of Investigators of Modifiers of BRCA1/2 (CIMBA), c/o University of Cambridge
Classification: Pathogenic for Breast-ovarian cancer, familial, susceptibility to, 2. Last evaluated: 2015-10-02. Review status: criteria provided, single submitter. Criteria: CIMBA Mutation Classification guidelines May 2016. Collection method: clinical testing. Allele origin: germline. Not counted in ClinVar's aggregate classification.

Mayo Clinic Laboratories, Mayo Clinic
Classification: Pathogenic. Last evaluated: 2017-12-23. Review status: no assertion criteria provided. Collection method: clinical testing. Allele origin: unknown. Not counted in ClinVar's aggregate classification.

Department of Pathology and Laboratory Medicine, Sinai Health System
Classification: Pathogenic for Breast-ovarian cancer, familial, susceptibility to, 2. Review status: no assertion criteria provided. Collection method: clinical testing. Allele origin: unknown. Affected: yes. Study: The Canadian Open Genetics Repository (COGR). Not counted in ClinVar's aggregate classification.

Literature cited by the submitters: PubMed 20104584 (cited by Labcorp Genetics (formerly Invitae), Labcorp and GeneKor MSA); PubMed 16168118 (cited by 6 submitters); PubMed 25682074 (cited by 7 submitters); PubMed 29446198 (cited by 6 submitters); PubMed 32772980 (cited by 5 submitters); PubMed 15024741 (cited by Ambry Genetics and Quest Diagnostics Nichols Institute San Juan Capistrano); PubMed 31409081 (cited by 3 submitters); PubMed 26295337 (cited by Quest Diagnostics Nichols Institute San Juan Capistrano).